The following is an entry in ClinVar:

ClinVar aggregate classification (germline): Uncertain significance. Review status: criteria provided, multiple submitters, no conflicts (2 of 4 stars). 2 submissions from 2 submitters: Uncertain significance (2). Last evaluated 2025-10-29.

Conditions:
Familial adenomatous polyposis 1 (FAP1). Also called: POLYPOSIS, ADENOMATOUS INTESTINAL; FAMILIAL ADENOMATOUS POLYPOSIS 1, ATTENUATED. Identifiers: MedGen C2713442, MONDO:0021056, OMIM 175100. Disease mechanism: loss of function.
Hereditary cancer-predisposing syndrome. Also called: Tumor predisposition; Hereditary neoplastic syndrome; Neoplastic Syndromes, Hereditary; Hereditary Cancer Syndrome. Identifiers: Orphanet 140162, MedGen C0027672, MeSH D009386, MONDO:0015356.

Allele frequency attached by ClinVar (database versions not stated): TOPMed 0.00001.
gnomAD v4.1: 1 of 1,613,788 alleles (0.000062%); highest among the groups gnomAD compares: Non-Finnish European, 0.000085%; no homozygotes.

Submissions (2):

Labcorp Genetics (formerly Invitae), Labcorp
Classification: Uncertain significance for Familial adenomatous polyposis 1. Last evaluated: 2025-10-29. Review status: criteria provided, single submitter. Criteria: Invitae Variant Classification Sherloc (09022015). Collection method: clinical testing. Allele origin: germline.
Comment: This sequence change replaces proline, which is neutral and non-polar, with leucine, which is neutral and non-polar, at codon 1778 of the APC protein (p.Pro1778Leu). This variant is not present in population databases (gnomAD no frequency). This variant has not been reported in the literature in individuals affected with APC-related conditions. ClinVar contains an entry for this variant (Variation ID: 950861). Invitae Evidence Modeling of protein sequence and biophysical properties (such as structural, functional, and spatial information, amino acid conservation, physicochemical variation, residue mobility, and thermodynamic stability) indicates that this missense variant is not expected to disrupt APC protein function with a negative predictive value of 95%. In summary, the available evidence is currently insufficient to determine the role of this variant in disease. Therefore, it has been classified as a Variant of Uncertain Significance.

Ambry Genetics
Classification: Uncertain significance for Hereditary cancer-predisposing syndrome. Last evaluated: 2025-10-22. Review status: criteria provided, single submitter. Criteria: Ambry Variant Classification Scheme 2023. Collection method: clinical testing. Allele origin: germline.
Comment: The p.P1778L variant (also known as c.5333C>T), located in coding exon 15 of the APC gene, results from a C to T substitution at nucleotide position 5333. The proline at codon 1778 is replaced by leucine, an amino acid with similar properties. This amino acid position is highly conserved in available vertebrate species. In addition, in silico predictors for this gene do not accurately predict pathogenicity. Missense alterations in APC are not a common cause of disease (Spier I et al. Genet Med. 2024 Feb;26(2):100992). Based on the available evidence, the clinical significance of this variant remains unclear.

NM_000038.6(APC):c.5333C>T (p.Pro1778Leu)

Gene: APC (APC regulator of Wnt signaling pathway; plus strand). Cytogenetic location: 5q22.2.
Variant type: single nucleotide variant.
Coding change: c.5333C>T on transcript NM_000038.6 (MANE Select); coding-DNA position 5333, C replaced by T.
Protein change: p.Pro1778Leu; replaces proline 1778 with leucine.
Molecular consequence: missense variant.
Genome position (GRCh38, 1-based): chr5:112,840,927, C>T. VCF-style: chr5-112840927-C-T. GRCh37 (hg19) VCF-style: chr5-112176624-C-T.
Other names: c.5333C>T, p.Pro1778Leu (NM_001127510.3, NM_001354895.2); c.5279C>T, p.Pro1760Leu (NM_001127511.3); c.5387C>T, p.Pro1796Leu (NM_001354896.2); c.5363C>T, p.Pro1788Leu (NM_001354897.2); c.5258C>T, p.Pro1753Leu (NM_001354898.2); c.5249C>T, p.Pro1750Leu (NM_001354899.2); c.5210C>T, p.Pro1737Leu (NM_001354900.2); c.5156C>T, p.Pro1719Leu (NM_001354901.2); and 5 more; short protein forms P1618L, P1753L, P1778L, P1677L, P1687L, P1719L, P1737L, P1750L.
Identifiers: ClinVar variation 950861 (VCV000950861.15), dbSNP rs952662066, ClinGen allele CA16032992.